The following is an entry in ClinVar:

ClinVar aggregate classification (germline): Benign/Likely benign. Review status: criteria provided, multiple submitters, no conflicts (2 of 4 stars). 4 submissions from 4 submitters: Benign (1); Likely benign (2). 1 of the submissions does not count toward it. Last evaluated 2024-04-03.

Conditions:
PDGFRA-related disorder. Also called: PDGFRA-related condition.
Hereditary cancer-predisposing syndrome. Also called: Hereditary Cancer Syndrome; Hereditary neoplastic syndrome; Neoplastic Syndromes, Hereditary; Tumor predisposition. Identifiers: Orphanet 140162, MedGen C0027672, MeSH D009386, MONDO:0015356.
Gastrointestinal stromal tumor. Also called: Gastrointestinal stroma tumor; Gastrointestinal stromal tumor, somatic. Identifiers: Orphanet 44890, MedGen C0238198, MeSH D046152, MONDO:0011719, OMIM 606764, HP:0100723.

Submissions (4):

Labcorp Genetics (formerly Invitae), Labcorp
Classification: Likely benign for Gastrointestinal stromal tumor. Last evaluated: 2024-04-03. Review status: criteria provided, single submitter. Criteria: Invitae Variant Classification Sherloc (09022015). Collection method: clinical testing. Allele origin: germline.

Blueprint Genetics
Classification: Benign. Last evaluated: 2022-01-13. Review status: criteria provided, single submitter. Criteria: ACMG Guidelines, 2015. Collection method: clinical testing. Allele origin: germline.

Ambry Genetics
Classification: Likely benign for Hereditary cancer-predisposing syndrome. Last evaluated: 2019-11-03. Review status: criteria provided, single submitter. Criteria: Ambry Variant Classification Scheme 2023. Collection method: clinical testing. Allele origin: germline.

PreventionGenetics, part of Exact Sciences
Classification: Likely benign for PDGFRA-related condition. Last evaluated: 2023-06-08. Review status: no assertion criteria provided. Collection method: clinical testing. Allele origin: germline. Not counted in ClinVar's aggregate classification.
Comment: This variant is classified as likely benign based on ACMG/AMP sequence variant interpretation guidelines (Richards et al. 2015 PMID: 25741868, with internal and published modifications).

NM_006206.6(PDGFRA):c.2238A>G (p.Leu746=)

Gene: PDGFRA (platelet derived growth factor receptor alpha; plus strand). Cytogenetic location: 4q12.
Variant type: single nucleotide variant.
Coding change: c.2238A>G on transcript NM_006206.6 (MANE Select); coding-DNA position 2238, A replaced by G.
Protein change: p.Leu746=; no amino-acid change (leucine 746 retained).
Molecular consequence: synonymous variant.
Genome position (GRCh38, 1-based): chr4:54,280,397, A>G. VCF-style: chr4-54280397-A-G. GRCh37 (hg19) VCF-style: chr4-55146564-A-G.
Other names: c.2238A>G, p.Leu746= (NM_001347827.2, NM_001347829.2); c.2313A>G, p.Leu771= (NM_001347828.2); c.2277A>G, p.Leu759= (NM_001347830.2); c.2238A>G (NM_006206.5).
Identifiers: ClinVar variation 1788217 (VCV001788217.10), dbSNP rs2475526943, ClinGen allele CA439287571.